The following is an entry in ClinVar:

ClinVar aggregate classification (germline): Uncertain significance (1 of 4 stars; one submission).

Conditions:
Epileptic encephalopathy. Identifiers: MedGen C0543888, HP:0200134.

Allele frequency attached by ClinVar (database versions not stated): gnomAD 0.00005; TOPMed 0.00010; ESP Exome Variant Server 0.00016; ExAC 0.00018.
gnomAD v4.1: 168 of 1,611,118 alleles (0.01%); highest among the groups gnomAD compares: Middle Eastern, 0.016%; no homozygotes.

Submission:

Labcorp Genetics (formerly Invitae), Labcorp
Classification: Uncertain significance for Epileptic encephalopathy. Last evaluated: 2021-09-01. Review status: criteria provided, single submitter. Criteria: Invitae Variant Classification Sherloc (09022015). Collection method: clinical testing. Allele origin: germline.
Comment: This sequence change replaces serine with threonine at codon 1587 of the RYR3 protein (p.Ser1587Thr). The serine residue is highly conserved and there is a small physicochemical difference between serine and threonine. This variant is present in population databases (rs374841951, ExAC 0.03%). This variant has not been reported in the literature in individuals affected with RYR3-related conditions. Algorithms developed to predict the effect of missense changes on protein structure and function are either unavailable or do not agree on the potential impact of this missense change (SIFT: "Tolerated"; PolyPhen-2: "Possibly Damaging"; Align-GVGD: "Class C0"). In summary, the available evidence is currently insufficient to determine the role of this variant in disease. Therefore, it has been classified as a Variant of Uncertain Significance.

NM_001036.6(RYR3):c.4759T>A (p.Ser1587Thr)

Gene: RYR3 (ryanodine receptor 3; plus strand). Cytogenetic location: 15q14.
Variant type: single nucleotide variant.
Coding change: c.4759T>A on transcript NM_001036.6 (MANE Select); coding-DNA position 4759, T replaced by A.
Protein change: p.Ser1587Thr; replaces serine 1587 with threonine.
Molecular consequence: missense variant.
Genome position (GRCh38, 1-based): chr15:33,662,289, T>A. VCF-style: chr15-33662289-T-A. GRCh37 (hg19) VCF-style: chr15-33954490-T-A.
Other names: c.4759T>A, p.Ser1587Thr (NM_001243996.4); short protein forms S1587T.
Identifiers: ClinVar variation 647270 (VCV000647270.6), dbSNP rs374841951, ClinGen allele CA7459110.